The following is an entry in ClinVar:

NM_004036.5(ADCY3):c.484G>A (p.Ala162Thr)

Gene: ADCY3 (adenylate cyclase 3; minus strand). Cytogenetic location: 2p23.3.
Variant type: single nucleotide variant.
Coding change: c.484G>A on transcript NM_004036.5 (MANE Select); coding-DNA position 484, G replaced by A.
Protein change: p.Ala162Thr; replaces alanine 162 with threonine.
Molecular consequence: missense variant.
Genome position (GRCh38, 1-based): chr2:24,918,504, C>T on the plus strand (G>A on the coding strand, the complement: ADCY3 is on the minus strand). VCF-style: chr2-24918504-C-T. GRCh37 (hg19) VCF-style: chr2-25141373-C-T.
Other names: c.484G>A, p.Ala162Thr (NM_001320613.2, NM_001377128.1, NM_001377129.1 and 2 more transcripts); short protein forms A162T.
Identifiers: ClinVar variation 3348544 (VCV003348544.1).

ClinVar aggregate classification (germline): Uncertain significance (0 of 4 stars; one submission).

Conditions:
ADCY3-related disorder. Also called: ADCY3-related condition.

Submission:

PreventionGenetics, part of Exact Sciences
Classification: Uncertain significance for ADCY3-related condition. Last evaluated: 2024-02-12. Review status: no assertion criteria provided. Collection method: clinical testing. Allele origin: germline.
Comment: The ADCY3 c.484G>A variant is predicted to result in the amino acid substitution p.Ala162Thr. To our knowledge, this variant has not been reported in the literature or in a large population database, indicating this variant is rare. At this time, the clinical significance of this variant is uncertain due to the absence of conclusive functional and genetic evidence.